The following is an entry in ClinVar:

NM_001101.5(ACTB):c.422C>G (p.Ser141Cys)

Gene: ACTB (actin beta; minus strand). Cytogenetic location: 7p22.1.
Variant type: single nucleotide variant.
Coding change: c.422C>G on transcript NM_001101.5 (MANE Select); coding-DNA position 422, C replaced by G.
Protein change: p.Ser141Cys; replaces serine 141 with cysteine.
Molecular consequence: missense variant.
Genome position (GRCh38, 1-based): chr7:5,528,661, G>C on the plus strand (C>G on the coding strand, the complement: ACTB is on the minus strand). VCF-style: chr7-5528661-G-C. GRCh37 (hg19) VCF-style: chr7-5568292-G-C.
Other names: short protein forms S141C.
Identifiers: ClinVar variation 3774067 (VCV003774067.1).
Genomic context (GRCh38, chr7:5,528,661, plus strand): 5'-TGGGTGACCCCGTCACCGGAGTCCATCACGATGCCAGTGGTACGGCCAGAGGCGTACAGG[G>C]ATAGCACAGCCTGGATAGCAACGTACATGGCTGGGGTGTTGAAGGTCTCAAACATGATCT-3'
Protein context (NP_001092.1, residues 131-151): AMYVAIQAVL[Ser141Cys]LYASGRTTGI

ClinVar aggregate classification (germline): Uncertain significance (1 of 4 stars; one submission).

Submission:

GeneDx
Classification: Uncertain significance. Last evaluated: 2024-09-24. Review status: criteria provided, single submitter. Criteria: GeneDx Variant Classification Process June 2021. Collection method: clinical testing. Allele origin: germline. Affected: yes.
Comment: Not observed at significant frequency in large population cohorts (gnomAD); Missense variants in this gene are a common cause of disease and they are underrepresented in the general population; In silico analysis supports that this missense variant has a deleterious effect on protein structure/function; Has not been previously published as pathogenic or benign to our knowledge